The following is an entry in ClinVar:

NM_001433706.1(NLRP8):c.1013C>T (p.Ser338Phe)

Gene: NLRP8 (NLR family pyrin domain containing 8; plus strand). Cytogenetic location: 19q13.43.
Variant type: single nucleotide variant.
Coding change: c.1013C>T on transcript NM_001433706.1 (MANE Select); coding-DNA position 1013, C replaced by T.
Protein change: p.Ser338Phe; replaces serine 338 with phenylalanine.
Molecular consequence: missense variant.
Genome position (GRCh38, 1-based): chr19:55,955,071, C>T. VCF-style: chr19-55955071-C-T. GRCh37 (hg19) VCF-style: chr19-56466437-C-T.
Other names: NM_176811.2:c.1013C>T; c.1013C>T, p.Ser338Phe (NM_001317000.1); short protein forms S338F.
Identifiers: ClinVar variation 103321 (VCV000103321.2), dbSNP rs199475837, ClinGen allele CA230413.

ClinVar aggregate classification (germline): not provided (0 of 4 stars; one submission).

Allele frequency attached by ClinVar (database versions not stated): gnomAD 0.00001.
gnomAD v4.1: 3 of 1,614,102 alleles (0.00019%); highest among the groups gnomAD compares: Non-Finnish European, 0.00025%; no homozygotes.

Submission:

Human Evolutionary Genetics, Institut Pasteur
No classification provided. Review status: no classification provided. Collection method: not provided. Allele origin: germline.
ClinVar note: Converted during submission from untested to not provided.